The following is an entry in ClinVar:

NM_004525.3(LRP2):c.3182G>C (p.Gly1061Ala)

Gene: LRP2 (LDL receptor related protein 2; minus strand). Cytogenetic location: 2q31.1.
Variant type: single nucleotide variant.
Coding change: c.3182G>C on transcript NM_004525.3 (MANE Select); coding-DNA position 3182, G replaced by C.
Protein change: p.Gly1061Ala; replaces glycine 1061 with alanine.
Molecular consequence: missense variant.
Genome position (GRCh38, 1-based): chr2:169,246,713, C>G on the plus strand (G>C on the coding strand, the complement: LRP2 is on the minus strand). VCF-style: chr2-169246713-C-G. GRCh37 (hg19) VCF-style: chr2-170103223-C-G.
Other names: c.3182G>C (NM_004525.2); short protein forms G1061A.
Identifiers: ClinVar variation 1500303 (VCV001500303.5), dbSNP rs544224269, ClinGen allele CA1955116.

ClinVar aggregate classification (germline): Uncertain significance. Review status: criteria provided, multiple submitters, no conflicts (2 of 4 stars). 2 submissions from 2 submitters: Uncertain significance (2). Last evaluated 2025-12-08.

Conditions:
Inborn genetic diseases. Identifiers: MedGen C0950123, MeSH D030342.

Allele frequency attached by ClinVar (database versions not stated): gnomAD exomes 0.00002; gnomAD 0.00004; TOPMed 0.00002; ExAC 0.00003.
gnomAD v4.1: 50 of 1,613,998 alleles (0.0031%); highest among the groups gnomAD compares: Non-Finnish European, 0.0041%; no homozygotes.

Submissions (2):

Ambry Genetics
Classification: Uncertain significance for Inborn genetic diseases. Last evaluated: 2025-12-08. Review status: criteria provided, single submitter. Criteria: Ambry Variant Classification Scheme 2023. Collection method: clinical testing. Allele origin: germline.

Labcorp Genetics (formerly Invitae), Labcorp
Classification: Uncertain significance. Last evaluated: 2022-08-05. Review status: criteria provided, single submitter. Criteria: Invitae Variant Classification Sherloc (09022015). Collection method: clinical testing. Allele origin: germline.
Comment: This sequence change replaces glycine, which is neutral and non-polar, with alanine, which is neutral and non-polar, at codon 1061 of the LRP2 protein (p.Gly1061Ala). This variant is present in population databases (rs544224269, gnomAD 0.007%). This variant has not been reported in the literature in individuals affected with LRP2-related conditions. ClinVar contains an entry for this variant (Variation ID: 1500303). Advanced modeling of protein sequence and biophysical properties (such as structural, functional, and spatial information, amino acid conservation, physicochemical variation, residue mobility, and thermodynamic stability) performed at Invitae indicates that this missense variant is not expected to disrupt LRP2 protein function. In summary, the available evidence is currently insufficient to determine the role of this variant in disease. Therefore, it has been classified as a Variant of Uncertain Significance.